The following is an entry in ClinVar:

ClinVar aggregate classification (germline): Uncertain significance. Review status: criteria provided, multiple submitters, no conflicts (2 of 4 stars). 3 submissions from 3 submitters: Uncertain significance (3). Last evaluated 2023-11-17.

Conditions:
Disorders of Intracellular Cobalamin Metabolism. Identifiers: MedGen CN043592.
Methylcobalamin deficiency type cblG (HMAG). Also called: HOMOCYSTINURIA-MEGALOBLASTIC ANEMIA, cblG COMPLEMENTATION TYPE; Functional methionine synthase deficiency type cblG; HOMOCYSTINURIA-MEGALOBLASTIC ANEMIA DUE TO DEFECT IN COBALAMIN METABOLISM, cblG COMPLEMENTATION TYPE; HOMOCYSTINURIA-MEGALOBLASTIC ANEMIA, cblG TYPE. Identifiers: Orphanet 2170, Orphanet 622, MedGen C1855128, MONDO:0009609, OMIM 250940.

Allele frequency attached by ClinVar (database versions not stated): gnomAD 0.00001; gnomAD exomes 0.00001; ExAC 0.00002.
gnomAD v4.1: 12 of 1,613,622 alleles (0.00074%); highest among the groups gnomAD compares: African/African-American, 0.004%; no homozygotes.

Submissions (3):

Labcorp Genetics (formerly Invitae), Labcorp
Classification: Uncertain significance for Methylcobalamin deficiency type cblG. Last evaluated: 2023-11-17. Review status: criteria provided, single submitter. Criteria: Invitae Variant Classification Sherloc (09022015). Collection method: clinical testing. Allele origin: germline.
Comment: This sequence change replaces proline, which is neutral and non-polar, with leucine, which is neutral and non-polar, at codon 148 of the MTR protein (p.Pro148Leu). This variant is present in population databases (rs757429726, gnomAD 0.007%). This missense change has been observed in individual(s) with cobalamin G deficiency (Invitae). ClinVar contains an entry for this variant (Variation ID: 876527). Advanced modeling of protein sequence and biophysical properties (such as structural, functional, and spatial information, amino acid conservation, physicochemical variation, residue mobility, and thermodynamic stability) performed at Invitae indicates that this missense variant is expected to disrupt MTR protein function with a positive predictive value of 80%. In summary, the available evidence is currently insufficient to determine the role of this variant in disease. Therefore, it has been classified as a Variant of Uncertain Significance.

Laboratorio de Genetica e Diagnostico Molecular, Hospital Israelita Albert Einstein
Classification: Uncertain significance. Last evaluated: 2019-09-30. Review status: criteria provided, single submitter. Criteria: ACMG Guidelines, 2015. Collection method: clinical testing. Allele origin: germline. Affected: yes.
Comment: ACMG classification criteria: PM2

Illumina Laboratory Services, Illumina
Classification: Uncertain significance for Disorders of Intracellular Cobalamin Metabolism. Last evaluated: 2018-01-12. Review status: criteria provided, single submitter. Criteria: ICSL Variant Classification Criteria 13 December 2019. Collection method: clinical testing. Allele origin: germline.

NM_000254.3(MTR):c.443C>T (p.Pro148Leu)

Gene: MTR (5-methyltetrahydrofolate-homocysteine methyltransferase; plus strand). Cytogenetic location: 1q43.
Variant type: single nucleotide variant.
Coding change: c.443C>T on transcript NM_000254.3 (MANE Select); coding-DNA position 443, C replaced by T.
Protein change: p.Pro148Leu; replaces proline 148 with leucine.
Molecular consequence: missense variant. On other transcripts: 5 prime UTR variant (1).
Genome position (GRCh38, 1-based): chr1:236,810,536, C>T. VCF-style: chr1-236810536-C-T. GRCh37 (hg19) VCF-style: chr1-236973836-C-T.
Other names: c.443C>T, p.Pro148Leu (NM_001291939.1); c.-666C>T (NM_001291940.2); short protein forms P148L.
Identifiers: ClinVar variation 876527 (VCV000876527.9), dbSNP rs757429726, ClinGen allele CA1473742.